The following is an entry in ClinVar:

ClinVar aggregate classification (germline): Uncertain significance (1 of 4 stars; one submission).

gnomAD v4.1: 18 of 1,613,280 alleles (0.0011%); highest among the groups gnomAD compares: Non-Finnish European, 0.0014%; no homozygotes.

Submission:

CeGaT Center for Human Genetics Tuebingen
Classification: Uncertain significance. Last evaluated: 2026-02-01. Review status: criteria provided, single submitter. Criteria: CeGaT Center For Human Genetics Tuebingen Variant Classification Criteria Version 2. Collection method: clinical testing. Allele origin: germline. Affected: yes. Observed: 1 variant allele.
Comment: SHANK2: PM2, BP4

NM_012309.5(SHANK2):c.5086G>A (p.Asp1696Asn)

Gene: SHANK2 (SH3 and multiple ankyrin repeat domains 2; minus strand). Cytogenetic location: 11q13.3.
Variant type: single nucleotide variant.
Coding change: c.5086G>A on transcript NM_012309.5 (MANE Select); coding-DNA position 5086, G replaced by A.
Protein change: p.Asp1696Asn; replaces aspartic acid 1696 with asparagine.
Molecular consequence: missense variant. On other transcripts: non-coding transcript variant (1), 3 prime UTR variant (1).
Genome position (GRCh38, 1-based): chr11:70,473,333, C>T on the plus strand (G>A on the coding strand, the complement: SHANK2 is on the minus strand). VCF-style: chr11-70473333-C-T. GRCh37 (hg19) VCF-style: chr11-70319438-C-T.
Other names: c.3949G>A, p.Asp1317Asn (NM_001379226.1); c.5206G>A, p.Asp1736Asn (NM_001441024.1); c.5035G>A, p.Asp1679Asn (NM_001441025.1, NM_001441026.1, NM_001441027.1 and 7 more transcripts); c.5008G>A, p.Asp1670Asn (NM_001441035.1, NM_001441036.1, NM_001441037.1); c.3244G>A, p.Asp1082Asn (NM_001441046.1); c.3190G>A, p.Asp1064Asn (NM_001441047.1); c.3322G>A, p.Asp1108Asn (NM_133266.5); c.4963G>A, p.Asp1655Asn (NM_001441038.1); and 7 more; short protein forms D1064N, D1082N, D1091N, D1098N, D1101N, D1105N, D1108N, D1291N.
Identifiers: ClinVar variation 4822485 (VCV004822485.4).